The following is an entry in ClinVar:

NM_000051.4(ATM):c.3267T>C (p.Ala1089=)

Gene: ATM (ATM serine/threonine kinase; plus strand). Cytogenetic location: 11q22.3.
Variant type: single nucleotide variant.
Coding change: c.3267T>C on transcript NM_000051.4 (MANE Select); coding-DNA position 3267, T replaced by C.
Protein change: p.Ala1089=; no amino-acid change (alanine 1089 retained).
Molecular consequence: synonymous variant.
Genome position (GRCh38, 1-based): chr11:108,272,835, T>C. VCF-style: chr11-108272835-T-C. GRCh37 (hg19) VCF-style: chr11-108143562-T-C.
Other names: c.3267T>C, p.Ala1089= (NM_001351834.2).
Identifiers: ClinVar variation 1729583 (VCV001729583.5), dbSNP rs766215530, ClinGen allele CA6265237.

ClinVar aggregate classification (germline): Benign/Likely benign. Review status: criteria provided, multiple submitters, no conflicts (2 of 4 stars). 3 submissions from 3 submitters: Benign (1); Likely benign (2). Last evaluated 2024-05-14.

Conditions:
Hereditary cancer-predisposing syndrome. Also called: Neoplastic Syndromes, Hereditary; Tumor predisposition; Hereditary Cancer Syndrome; Hereditary neoplastic syndrome. Identifiers: Orphanet 140162, MedGen C0027672, MeSH D009386, MONDO:0015356.
Ataxia-telangiectasia syndrome (AT). Also called: LOUIS-BAR SYNDROME; Cerebello-oculocutaneous telangiectasia; Immunodeficiency with ataxia telangiectasia; Ataxia-telangiectasia, complementation group D; AT, COMPLEMENTATION GROUP C; ATAXIA-TELANGIECTASIA, COMPLEMENTATION GROUP A. Identifiers: Orphanet 100, MedGen C0004135, MONDO:0008840, OMIM 208900.
Familial cancer of breast. Also called: BREAST CANCER, FAMILIAL; Hereditary breast cancer; hereditary breast carcinoma. Identifiers: Orphanet 227535, MedGen C0346153, MONDO:0016419, OMIM 114480. Disease mechanism: loss of function.

Allele frequency attached by ClinVar (database versions not stated): gnomAD exomes below 0.00001; ExAC 0.00001.
gnomAD v4.1: 1 of 1,614,094 alleles (0.000062%); highest among the groups gnomAD compares: Non-Finnish European, 0.000085%; no homozygotes.

Submissions (3):

Myriad Genetics, Inc.
Classification: Benign for Familial cancer of breast. Last evaluated: 2024-05-14. Review status: criteria provided, single submitter. Criteria: Myriad Autosomal Dominant, Autosomal Recessive and X-Linked Classification Criteria (2023). Collection method: clinical testing. Allele origin: unknown.
Comment: This variant is considered benign. This variant is a silent/synonymous amino acid change and it is not expected to impact splicing.

Labcorp Genetics (formerly Invitae), Labcorp
Classification: Likely benign for Ataxia-telangiectasia syndrome. Last evaluated: 2024-02-15. Review status: criteria provided, single submitter. Criteria: Invitae Variant Classification Sherloc (09022015). Collection method: clinical testing. Allele origin: germline.

Ambry Genetics
Classification: Likely benign for Hereditary cancer-predisposing syndrome. Last evaluated: 2022-01-10. Review status: criteria provided, single submitter. Criteria: Ambry Variant Classification Scheme 2023. Collection method: clinical testing. Allele origin: germline.